The following is an entry in ClinVar:

ClinVar aggregate classification (germline): Uncertain significance (1 of 4 stars; one submission).

Submission:

Labcorp Genetics (formerly Invitae), Labcorp
Classification: Uncertain significance. Last evaluated: 2025-03-31. Review status: criteria provided, single submitter. Criteria: Invitae Variant Classification Sherloc (09022015). Collection method: clinical testing. Allele origin: germline.
Comment: This sequence change replaces arginine, which is basic and polar, with histidine, which is basic and polar, at codon 74 of the MRPS16 protein (p.Arg74His). This variant is not present in population databases (gnomAD no frequency). This variant has not been reported in the literature in individuals affected with MRPS16-related conditions. ClinVar contains an entry for this variant (Variation ID: 2818405). An algorithm developed to predict the effect of missense changes on protein structure and function (PolyPhen-2) suggests that this variant is likely to be disruptive. In summary, the available evidence is currently insufficient to determine the role of this variant in disease. Therefore, it has been classified as a Variant of Uncertain Significance.

NM_016065.4(MRPS16):c.221G>A (p.Arg74His)

Genes: DNAJC9-AS1 (DNAJC9 and MRPS16 antisense RNA 1; plus strand), MRPS16 (mitochondrial ribosomal protein S16; minus strand). Cytogenetic location: 10q22.2.
Variant type: single nucleotide variant.
Coding change: c.221G>A on transcript NM_016065.4 (MANE Select); coding-DNA position 221, G replaced by A.
Protein change: p.Arg74His; replaces arginine 74 with histidine.
Molecular consequence: missense variant.
Genome position (GRCh38, 1-based): chr10:73,251,816, C>T on the plus strand (G>A on the coding strand, the complement: MRPS16 is on the minus strand). VCF-style: chr10-73251816-C-T. GRCh37 (hg19) VCF-style: chr10-75011574-C-T.
Other names: c.221G>A, p.Arg74His (NM_001410935.1); short protein forms R74H.
Identifiers: ClinVar variation 2818405 (VCV002818405.3), dbSNP rs2493360620, ClinGen allele CA377192983.
Genomic context (GRCh38, chr10:73,251,816, plus strand): 5'-GAGTTACCCAGAAGCTTTTCCATAGGCTTAGAGAGGTGGGCCCCGCAGCCAATCCAATGA[C>T]GGATCCTGTCTAGGTTGAGGGCAACGAGTTTTTCTCCATGACTGTTGGGCAATGGATCAT-3'
Protein context (NP_057149.1, residues 64-84): KLVALNLDRI[Arg74His]HWIGCGAHLS